The following is an entry in ClinVar:

ClinVar aggregate classification (germline): Pathogenic (1 of 4 stars; one submission).

Conditions:
Retinoblastoma (RB1). Also called: RETINOBLASTOMA, SOMATIC. Identifiers: Orphanet 790, MedGen C0035335, MeSH D012175, MONDO:0008380, OMIM 180200, HP:0009919. Disease mechanism: loss of function. Inheritance: Both sporadic and heritable forms are tested..

Submission:

Genetic Diagnostic Laboratory, University of Pennsylvania School of Medicine
Classification: Pathogenic for Retinoblastoma. Last evaluated: 2024-05-20. Review status: criteria provided, single submitter. Criteria: ACMG Guidelines, 2015. Collection method: clinical testing. Allele origin: germline. Affected: yes. Observed: 1 variant allele.
Comment: Case and Pedigree Information: BILATERAL CASES:1, UNILATERAL CASES:0, TOTAL CASES:1, PEDIGREES:1. ACMG Codes Applied:PVS1, PM2

NM_000321.3(RB1):c.893del (p.Pro298fs)

Gene: RB1 (RB transcriptional corepressor 1; plus strand). Cytogenetic location: 13q14.2.
Variant type: Deletion.
Coding change: c.893del on transcript NM_000321.3 (MANE Select); coding-DNA position 893, one base deleted (C; older notation c.893delC).
Protein change: p.Pro298fs; shifts the reading frame from proline 298.
Molecular consequence: frameshift variant.
Genome position (GRCh38, 1-based): chr13:48,364,925, C deleted; the last of 2 consecutive C bases (chr13:48,364,924-48,364,925); deleting either gives the same sequence. VCF-style (leftmost placement, unchanged base first): chr13-48364923-AC-A. GRCh37 (hg19) VCF-style: chr13-48939059-AC-A.
Other names: c.893del, p.Pro298fs (NM_001407165.1, NM_001407166.1); short protein forms P298fs.
Identifiers: ClinVar variation 3236938 (VCV003236938.1), dbSNP rs2542185081.